The following is an entry in ClinVar:

ClinVar aggregate classification (germline): Uncertain significance (1 of 4 stars; one submission).

gnomAD v4.1: 2 of 1,604,934 alleles (0.00012%); highest among the groups gnomAD compares: Admixed American, 0.0033%; no homozygotes.

Submission:

Labcorp Genetics (formerly Invitae), Labcorp
Classification: Uncertain significance. Last evaluated: 2024-04-07. Review status: criteria provided, single submitter. Criteria: Invitae Variant Classification Sherloc (09022015). Collection method: clinical testing. Allele origin: germline.
Comment: This sequence change replaces serine, which is neutral and polar, with cysteine, which is neutral and slightly polar, at codon 32 of the IL6ST protein (p.Ser32Cys). This variant is present in population databases (no rsID available, gnomAD 0.003%). This variant has not been reported in the literature in individuals affected with IL6ST-related conditions. An algorithm developed to predict the effect of missense changes on protein structure and function (PolyPhen-2) suggests that this variant is likely to be tolerated. In summary, the available evidence is currently insufficient to determine the role of this variant in disease. Therefore, it has been classified as a Variant of Uncertain Significance.

NM_002184.4(IL6ST):c.94A>T (p.Ser32Cys)

Gene: IL6ST (interleukin 6 cytokine family signal transducer; minus strand). Cytogenetic location: 5q11.2.
Variant type: single nucleotide variant.
Coding change: c.94A>T on transcript NM_002184.4 (MANE Select); coding-DNA position 94, A replaced by T.
Protein change: p.Ser32Cys; replaces serine 32 with cysteine.
Molecular consequence: missense variant. On other transcripts: 5 prime UTR variant (3), non-coding transcript variant (2).
Genome position (GRCh38, 1-based): chr5:55,969,826, T>A on the plus strand (A>T on the coding strand, the complement: IL6ST is on the minus strand). VCF-style: chr5-55969826-T-A. GRCh37 (hg19) VCF-style: chr5-55265654-T-A.
Other names: c.94A>T, p.Ser32Cys (NM_001190981.2, NM_001364275.2, NM_001364276.2 and 1 more transcripts); c.-699A>T (NM_001364277.2, NM_001364279.2); c.-689A>T (NM_001364278.2); short protein forms S32C.
Identifiers: ClinVar variation 3678198 (VCV003678198.2).